The following is an entry in ClinVar:

ClinVar aggregate classification (germline): Uncertain significance (1 of 4 stars; one submission).

Submission:

GeneDx
Classification: Uncertain significance. Last evaluated: 2026-02-05. Review status: criteria provided, single submitter. Criteria: GeneDx Variant Classification Process June 2021. Collection method: clinical testing. Allele origin: germline.
Comment: Not observed at significant frequency in large population cohorts (gnomAD); In silico analysis suggests that this variant does not alter protein structure/function; Has not been previously published as pathogenic or benign to our knowledge

NM_015335.5(MED13L):c.5801_5802delinsAA (p.Met1934Lys)

Gene: MED13L (mediator complex subunit 13L; minus strand). Cytogenetic location: 12q24.21.
Variant type: Indel.
Coding change: c.5801_5802delinsAA on transcript NM_015335.5 (MANE Select); coding-DNA positions 5801 to 5802, TG replaced by AA.
Protein change: p.Met1934Lys; replaces methionine 1934 with lysine.
Molecular consequence: missense variant.
Genome position (GRCh38, 1-based): chr12:115,972,166-115,972,167, CA replaced by TT on the plus strand (TG replaced by AA on the coding strand, the reverse complement: MED13L is on the minus strand). VCF-style: chr12-115972166-CA-TT. GRCh37 (hg19) VCF-style: chr12-116409971-CA-TT.
Other names: short protein forms M1934K.
Identifiers: ClinVar variation 4891350 (VCV004891350.1).